The following is an entry in ClinVar:

ClinVar aggregate classification (germline): Uncertain significance. Review status: criteria provided, multiple submitters, no conflicts (2 of 4 stars). 5 submissions from 5 submitters: Uncertain significance (5). Last evaluated 2025-06-11.

Conditions:
Cardiomyopathy (CMYO). Also called: Cardiomyopathies. Identifiers: Orphanet 167848, MedGen C0878544, MONDO:0004994, HP:0001638. Inheritance: Various modes of inheritance.
Hypertrophic cardiomyopathy 4. Also called: Familial hypertrophic cardiomyopathy 4. Identifiers: MedGen C1861862, MONDO:0007268, OMIM 115197.
Hypertrophic cardiomyopathy. Also called: HYPERTROPHIC MYOCARDIOPATHY. Identifiers: Orphanet 217569, MedGen C0007194, MeSH D002312, MONDO:0005045, HP:0001639.

Allele frequency attached by ClinVar (database versions not stated): TOPMed 0.00001.
gnomAD v4.1: 2 of 1,614,006 alleles (0.00012%); highest among the groups gnomAD compares: Non-Finnish European, 0.00017%; no homozygotes.

Submissions (5):

Labcorp Genetics (formerly Invitae), Labcorp
Classification: Uncertain significance for Hypertrophic cardiomyopathy. Last evaluated: 2025-06-11. Review status: criteria provided, single submitter. Criteria: Invitae Variant Classification Sherloc (09022015). Collection method: clinical testing. Allele origin: germline.
Comment: This sequence change replaces arginine, which is basic and polar, with leucine, which is neutral and non-polar, at codon 817 of the MYBPC3 protein (p.Arg817Leu). This variant is not present in population databases (gnomAD no frequency). This missense change has been observed in individual(s) with hypertrophic cardiomyopathy (internal data). ClinVar contains an entry for this variant (Variation ID: 430507). An algorithm developed to predict the effect of missense changes on protein structure and function (PolyPhen-2) suggests that this variant is likely to be disruptive. This variant disrupts the p.Arg817 amino acid residue in MYBPC3. Other variant(s) that disrupt this residue have been determined to be pathogenic (PMID: 26914223, 27532257). This suggests that this residue is clinically significant, and that variants that disrupt this residue are likely to be disease-causing. In summary, the available evidence is currently insufficient to determine the role of this variant in disease. Therefore, it has been classified as a Variant of Uncertain Significance.

Color Diagnostics, LLC DBA Color Health
Classification: Uncertain significance for Cardiomyopathy. Last evaluated: 2025-05-20. Review status: criteria provided, single submitter. Criteria: ACMG Guidelines, 2015. Collection method: clinical testing. Allele origin: germline.
Comment: This missense variant replaces arginine with leucine at codon 817 of the MYBPC3 protein. Computational prediction tool is inconclusive regarding the impact of this variant on protein structure and function. To our knowledge, functional studies have not been reported for this variant. This variant has not been reported in individuals affected with MYBPC3-related disorders in the literature. This variant has not been identified in the general population by the Genome Aggregation Database (gnomAD). The available evidence is insufficient to determine the role of this variant in disease conclusively. Therefore, this variant is classified as a Variant of Uncertain Significance.

All of Us Research Program, National Institutes of Health
Classification: Uncertain significance for Hypertrophic cardiomyopathy. Last evaluated: 2023-12-01. Review status: criteria provided, single submitter. Criteria: ACMG Guidelines, 2015. Collection method: clinical testing. Allele origin: germline. Inheritance: Autosomal dominant inheritance. Observed: 2 variant alleles, 2 heterozygotes.
Comment: This study involves interpretation of variants in research participants for the purpose of population health screening. Participant phenotype was not available at the time of variant classification. Additional details can be found in publication PMID: 35346344, PMCID: PMC8962531

Illumina Laboratory Services, Illumina
Classification: Uncertain significance for Hypertrophic cardiomyopathy 4. Last evaluated: 2023-05-12. Review status: criteria provided, single submitter. Criteria: ICSLVariantClassificationCriteria RUGD 01 April 2020. Collection method: clinical testing. Allele origin: unknown.
Comment: The MYBPC3 c.2450G>T (p.Arg817Leu) missense variant has not, to our knowledge, been reported in the peer-reviewed literature. This variant is not observed in version 2.1.1 or version 3.1.2 of the Genome Aggregation Database. This variant disrupts the p.Arg817 amino acid residue in MYBPC3. Other variants that disrupt this residue have been noted in ClinVar, however their contribution to disease is deemed uncertain at this time (PMID: 27532257; 29121657; 26914223; 27600940). Based on the available evidence, the c.2450G>T (p.Arg817Leu) variant is classified as a variant of uncertain significance for hypertrophic cardiomyopathy.

GeneDx
Classification: Uncertain significance. Last evaluated: 2017-05-19. Review status: criteria provided, single submitter. Criteria: GeneDx Variant Classification (06012015). Collection method: clinical testing. Allele origin: germline. Affected: yes.
Comment: A variant of uncertain significance has been identified in the MYBPC3 gene. The R817L variant has not been published as pathogenic or been reported as benign to our knowledge. This variant is not observed in large population cohorts (Lek et al., 2016; 1000 Genomes Consortium et al., 2015; Exome Variant Server). The R817L variant is a non-conservative amino acid substitution, which is likely to impact secondary protein structure as these residues differ in polarity, charge, size and/or other properties. This substitution occurs at a position that is conserved across species and in silico analysis predicts this variant is probably damaging to the protein structure/function. Missense variants in the same residue (R817Q, R817G, R817W) have been reported in the Human Gene Mutation Database in association with MYBPC3-related disorders (Stenson et al., 2014); however, the pathogenicity of these variants has not been definitively determined.

Literature cited by the submitters: PubMed 26914223 (cited by Labcorp Genetics (formerly Invitae), Labcorp); PubMed 27532257 (cited by Labcorp Genetics (formerly Invitae), Labcorp).

NM_000256.3(MYBPC3):c.2450G>T (p.Arg817Leu)

Gene: MYBPC3 (myosin binding protein C3; minus strand). Cytogenetic location: 11p11.2.
Variant type: single nucleotide variant.
Coding change: c.2450G>T on transcript NM_000256.3 (MANE Select); coding-DNA position 2450, G replaced by T.
Protein change: p.Arg817Leu; replaces arginine 817 with leucine.
Molecular consequence: missense variant.
Genome position (GRCh38, 1-based): chr11:47,337,543, C>A on the plus strand (G>T on the coding strand, the complement: MYBPC3 is on the minus strand). VCF-style: chr11-47337543-C-A. GRCh37 (hg19) VCF-style: chr11-47359094-C-A.
Other names: c.2450G>T, p.Arg817Leu (LRG_386t1); short protein forms R817L.
Identifiers: ClinVar variation 430507 (VCV000430507.9), dbSNP rs397515964, ClinGen allele CA380318396.